The following is an entry in ClinVar:

ClinVar aggregate classification (germline): Uncertain significance (1 of 4 stars; one submission).

Allele frequency attached by ClinVar (database versions not stated): gnomAD exomes below 0.00001.
gnomAD v4.1: 1 of 1,587,790 alleles (0.000063%); highest among the groups gnomAD compares: Admixed American, 0.0017%; no homozygotes.

Submission:

Labcorp Genetics (formerly Invitae), Labcorp
Classification: Uncertain significance. Last evaluated: 2021-08-16. Review status: criteria provided, single submitter. Criteria: Invitae Variant Classification Sherloc (09022015). Collection method: clinical testing. Allele origin: germline.
Comment: This sequence change affects codon 1093 of the PTPN23 mRNA. It is a 'silent' change, meaning that it does not change the encoded amino acid sequence of the PTPN23 protein. This variant is not present in population databases (ExAC no frequency). This variant has not been reported in the literature in individuals affected with PTPN23-related conditions. Algorithms developed to predict the effect of sequence changes on RNA splicing suggest that this variant may create or strengthen a splice site. In summary, the available evidence is currently insufficient to determine the role of this variant in disease. Therefore, it has been classified as a Variant of Uncertain Significance.

NM_015466.4(PTPN23):c.3279G>T (p.Gly1093=)

Gene: PTPN23 (protein tyrosine phosphatase non-receptor type 23; plus strand). Cytogenetic location: 3p21.31.
Variant type: single nucleotide variant.
Coding change: c.3279G>T on transcript NM_015466.4 (MANE Select); coding-DNA position 3279, G replaced by T.
Protein change: p.Gly1093=; no amino-acid change (glycine 1093 retained).
Molecular consequence: synonymous variant.
Genome position (GRCh38, 1-based): chr3:47,411,077, G>T. VCF-style: chr3-47411077-G-T. GRCh37 (hg19) VCF-style: chr3-47452567-G-T.
Other names: c.2901G>T, p.Gly967= (NM_001304482.2).
Identifiers: ClinVar variation 1346317 (VCV001346317.1), dbSNP rs1415674040, ClinGen allele CA433605154.
Genomic context (GRCh38, chr3:47,411,077, plus strand): 5'-GTCTGCTGGCCAGTCCACCCCTAGTCCCCACCTGGTGCCTTCACCTGCCCCATCTCCAGG[G>T]CCTGGTCCGGTACCCCCTCGCCCCCCAGCAGCAGAACCACCCCCTTGCCTGCGCCGAGGC-3'
Protein context (NP_056281.1, residues 1083-1103): HLVPSPAPSP[Gly1093=]PGPVPPRPPA